The following is an entry in ClinVar:

NC_000019.9:g.(?_7586622)_(7593054_?)del

Gene: MCOLN1 (mucolipin TRP cation channel 1; plus strand). Cytogenetic location: 19p13.2.
Variant type: Deletion.
Identifiers: ClinVar variation 3248425 (VCV003248425.1).

ClinVar aggregate classification (germline): Pathogenic (1 of 4 stars; one submission).

Conditions:
Mucolipidosis type IV (ML4). Also called: ML IV. Identifiers: Orphanet 578, MedGen C0238286, MONDO:0009653, OMIM 252650.

Submission:

Labcorp Genetics (formerly Invitae), Labcorp
Classification: Pathogenic for Mucolipidosis type IV. Last evaluated: 2024-01-05. Review status: criteria provided, single submitter. Criteria: Invitae Variant Classification Sherloc (09022015). Collection method: clinical testing. Allele origin: unknown.
Comment: This variant results in the deletion of exons 1-6 and part of exon 7 (c.-1012_791del) of the MCOLN1 gene. It is expected to result in an absent or disrupted protein product. Loss-of-function variants in MCOLN1 are known to be pathogenic (PMID: 11030752, 11317355, 37972748). A similar copy number variant has been observed in individuals with autosomal recessive mucolipidosis type IV (PMID: 11013137). This variant is also known as c.-1012_791del6433. ClinVar contains an entry for this variant (Variation ID: 5132). For these reasons, this variant has been classified as Pathogenic.

Literature cited by the submitters: PubMed 11030752; PubMed 11317355; PubMed 37972748; PubMed 11013137.